The following is an entry in ClinVar:

ClinVar aggregate classification (germline): Conflicting classifications of pathogenicity. Review status: criteria provided, conflicting classifications (1 of 4 stars). 7 submissions from 7 submitters: Uncertain significance (2); Likely benign (5). Last evaluated 2026-05-01.

Conditions:
GM3 synthase deficiency (SPDRS). Also called: SALT AND PEPPER MENTAL RETARDATION SYNDROME; SALT AND PEPPER DEVELOPMENTAL REGRESSION SYNDROME; AMISH INFANTILE EPILEPSY SYNDROME. Identifiers: Orphanet 171714, Orphanet 370933, MedGen C1836824, MONDO:0018274, OMIM 609056.

Allele frequency attached by ClinVar (database versions not stated): TOPMed 0.00055; gnomAD 0.00065 and 0.00070; gnomAD exomes 0.00068 and 0.00100; ESP Exome Variant Server 0.00085; ExAC 0.00103.
gnomAD v4.1: 1,543 of 1,614,104 alleles (0.096%); highest among the groups gnomAD compares: Non-Finnish European, 0.12%; no homozygotes.

Submissions (7):

CeGaT Center for Human Genetics Tuebingen
Classification: Likely benign. Last evaluated: 2026-05-01. Review status: criteria provided, single submitter. Criteria: CeGaT Center For Human Genetics Tuebingen Variant Classification Criteria Version 2. Collection method: clinical testing. Allele origin: germline. Affected: yes. Observed: 2 variant alleles.
Comment: ST3GAL5: BP4, BP7

Labcorp Genetics (formerly Invitae), Labcorp
Classification: Likely benign for GM3 synthase deficiency. Last evaluated: 2026-01-12. Review status: criteria provided, single submitter. Criteria: Invitae Variant Classification Sherloc (09022015). Collection method: clinical testing. Allele origin: germline.

Mayo Clinic Laboratories, Mayo Clinic
Classification: Likely benign. Last evaluated: 2025-07-17. Review status: criteria provided, single submitter. Criteria: ACMG Guidelines, 2015. Collection method: clinical testing. Allele origin: germline. Observed: 2 variant alleles.
Comment: BP4, BP7

Blueprint Genetics
Classification: Likely benign. Last evaluated: 2024-10-10. Review status: criteria provided, single submitter. Criteria: ACMG Guidelines, 2015. Collection method: clinical testing. Allele origin: germline.

Illumina Laboratory Services, Illumina
Classification: Uncertain significance for GM3 synthase deficiency. Last evaluated: 2018-01-12. Review status: criteria provided, single submitter. Criteria: ICSL Variant Classification Criteria 13 December 2019. Collection method: clinical testing. Allele origin: germline.

Genetic Services Laboratory, University of Chicago
Classification: Likely benign. Last evaluated: 2015-11-05. Review status: criteria provided, single submitter. Criteria: ACMG Guidelines, 2015. Collection method: clinical testing. Allele origin: germline. Affected: no.

Eurofins Ntd Llc (ga)
Classification: Uncertain significance. Last evaluated: 2014-11-25. Review status: criteria provided, single submitter. Criteria: EGL Classification Definitions 2015. Collection method: clinical testing. Allele origin: germline.

NM_003896.4(ST3GAL5):c.1212G>A (p.Glu404=)

Gene: ST3GAL5 (ST3 beta-galactoside alpha-2,3-sialyltransferase 5; minus strand). Cytogenetic location: 2p11.2.
Variant type: single nucleotide variant.
Coding change: c.1212G>A on transcript NM_003896.4 (MANE Select); coding-DNA position 1212, G replaced by A.
Protein change: p.Glu404=; no amino-acid change (glutamic acid 404 retained).
Molecular consequence: synonymous variant.
Genome position (GRCh38, 1-based): chr2:85,840,189, C>T on the plus strand (G>A on the coding strand, the complement: ST3GAL5 is on the minus strand). VCF-style: chr2-85840189-C-T. GRCh37 (hg19) VCF-style: chr2-86067312-C-T.
Other names: p.Glu404=; c.1143G>A, p.Glu381= (NM_001042437.2); c.828G>A, p.Glu276= (NM_001354223.2, NM_001354224.2, NM_001354226.2 and 3 more transcripts); c.1128G>A, p.Glu376= (NM_001354227.2, NM_001354229.2, NM_001354238.1); c.489G>A, p.Glu163= (NM_001354247.1); c.1053G>A, p.Glu351= (NM_001363847.1).
Identifiers: ClinVar variation 198499 (VCV000198499.51), dbSNP rs148195895, ClinGen allele CA247177.